The following is an entry in ClinVar:

ClinVar aggregate classification (germline): Uncertain significance (1 of 4 stars; one submission).

Conditions:
Inborn genetic diseases. Identifiers: MedGen C0950123, MeSH D030342.

gnomAD v4.1: 1 of 1,600,408 alleles (0.000062%); highest among the groups gnomAD compares: East Asian, 0.0023%; no homozygotes.

Submission:

Ambry Genetics
Classification: Uncertain significance for Inborn genetic diseases. Last evaluated: 2025-06-25. Review status: criteria provided, single submitter. Criteria: Ambry Variant Classification Scheme 2023. Collection method: clinical testing. Allele origin: germline.
Comment: The p.S2N variant (also known as c.5G>A), located in coding exon 1 of the USB1 gene, results from a G to A substitution at nucleotide position 5. The serine at codon 2 is replaced by asparagine, an amino acid with highly similar properties. This amino acid position is conserved. In addition, this alteration is predicted to be tolerated by in silico analysis. Based on the available evidence, the clinical significance of this variant remains unclear.

NM_024598.4(USB1):c.5G>A (p.Ser2Asn)

Genes: USB1 (U6 snRNA biogenesis phosphodiesterase 1; plus strand), LOC112469011 (Sharpr-MPRA regulatory region 3942; plus strand). Cytogenetic location: 16q21.
Variant type: single nucleotide variant.
Coding change: c.5G>A on transcript NM_024598.4 (MANE Select); coding-DNA position 5, G replaced by A.
Protein change: p.Ser2Asn; replaces serine 2 with asparagine.
Molecular consequence: missense variant. On other transcripts: intron variant (1).
Genome position (GRCh38, 1-based): chr16:58,001,488, G>A. VCF-style: chr16-58001488-G-A. GRCh37 (hg19) VCF-style: chr16-58035392-G-A.
Other names: c.5G>A, p.Ser2Asn (NM_001195302.2, NM_001204911.2, NM_001330569.2); c.-55-991G>A (NM_001330568.2); short protein forms S2N.
Identifiers: ClinVar variation 4196792 (VCV004196792.1).